The following is an entry in ClinVar:

ClinVar aggregate classification (germline): Uncertain significance (1 of 4 stars; one submission).

gnomAD v4.1: 1 of 1,613,370 alleles (0.000062%); no homozygotes.

Submission:

GeneDx
Classification: Uncertain significance. Last evaluated: 2023-03-31. Review status: criteria provided, single submitter. Criteria: GeneDx Variant Classification Process June 2021. Collection method: clinical testing. Allele origin: germline. Affected: yes.
Comment: Not observed at significant frequency in large population cohorts (gnomAD); In silico analysis supports that this missense variant does not alter protein structure/function; Has not been previously published as pathogenic or benign to our knowledge

NM_014991.6(WDFY3):c.9371T>G (p.Leu3124Arg)

Gene: WDFY3 (WD repeat and FYVE domain containing 3; minus strand). Cytogenetic location: 4q21.23.
Variant type: single nucleotide variant.
Coding change: c.9371T>G on transcript NM_014991.6 (MANE Select); coding-DNA position 9371, T replaced by G.
Protein change: p.Leu3124Arg; replaces leucine 3124 with arginine.
Molecular consequence: missense variant.
Genome position (GRCh38, 1-based): chr4:84,688,258, A>C on the plus strand (T>G on the coding strand, the complement: WDFY3 is on the minus strand). VCF-style: chr4-84688258-A-C. GRCh37 (hg19) VCF-style: chr4-85609411-A-C.
Other names: short protein forms L3124R.
Identifiers: ClinVar variation 2582192 (VCV002582192.1), dbSNP rs145513345, ClinGen allele CA357536759.